The following is an entry in ClinVar:

NM_145117.5(NAV2):c.2520T>C (p.His840=)

Gene: NAV2 (neuron navigator 2; plus strand). Cytogenetic location: 11p15.1.
Variant type: single nucleotide variant.
Coding change: c.2520T>C on transcript NM_145117.5 (MANE Select); coding-DNA position 2520, T replaced by C.
Protein change: p.His840=; no amino-acid change (histidine 840 retained).
Molecular consequence: synonymous variant.
Genome position (GRCh38, 1-based): chr11:19,948,955, T>C. VCF-style: chr11-19948955-T-C. GRCh37 (hg19) VCF-style: chr11-19970501-T-C.
Other names: c.2589T>C (NM_001244963.1); c.2328T>C, p.His776= (NM_001111018.2); c.2589T>C, p.His863= (NM_001244963.2); c.2520T>C, p.His840= (NM_182964.6).
Identifiers: ClinVar variation 1224134 (VCV001224134.6), dbSNP rs11025335, ClinGen allele CA5918161.

ClinVar aggregate classification (germline): Benign. Review status: criteria provided, multiple submitters, no conflicts (2 of 4 stars). 3 submissions from 3 submitters: Benign (2). 1 of the submissions does not count toward it. Last evaluated 2019-05-07.

Conditions:
NAV2-related disorder. Also called: NAV2-related condition.

Allele frequency attached by ClinVar (database versions not stated): ESP Exome Variant Server 0.18569; TOPMed 0.20054; gnomAD 0.20966 and 0.21603; gnomAD exomes 0.23593 and 0.26087; 1000 Genomes Project 30x 0.25390; ExAC 0.25673; 1000 Genomes Project 0.26118.
gnomAD v4.1: 377,009 of 1,613,894 alleles (23%); highest among the groups gnomAD compares: East Asian, 45%; 47,743 homozygotes.

Submissions (3):

GeneDx
Classification: Benign. Last evaluated: 2019-05-07. Review status: criteria provided, single submitter. Criteria: GeneDx Variant Classification Process June 2021. Collection method: clinical testing. Allele origin: germline. Affected: yes.

Breakthrough Genomics
Classification: Benign. Review status: criteria provided, single submitter. Criteria: ACMG Guidelines, 2015. Collection method: not provided. Allele origin: germline. Inheritance: Unknown mechanism. Affected: yes.

PreventionGenetics, part of Exact Sciences
Classification: Benign for NAV2-related condition. Last evaluated: 2019-10-30. Review status: no assertion criteria provided. Collection method: clinical testing. Allele origin: germline. Not counted in ClinVar's aggregate classification.
Comment: This variant is classified as benign based on ACMG/AMP sequence variant interpretation guidelines (Richards et al. 2015 PMID: 25741868, with internal and published modifications).